The following is an entry in ClinVar:

ClinVar aggregate classification (germline): Uncertain significance. Review status: criteria provided, multiple submitters, no conflicts (2 of 4 stars). 2 submissions from 2 submitters: Uncertain significance (2). Last evaluated 2024-04-17.

Conditions:
Hereditary cancer-predisposing syndrome. Also called: Neoplastic Syndromes, Hereditary; Tumor predisposition; Hereditary neoplastic syndrome; Hereditary Cancer Syndrome. Identifiers: Orphanet 140162, MedGen C0027672, MeSH D009386, MONDO:0015356.

Submissions (2):

Ambry Genetics
Classification: Uncertain significance for Hereditary cancer-predisposing syndrome. Last evaluated: 2024-04-17. Review status: criteria provided, single submitter. Criteria: Ambry Variant Classification Scheme 2023. Collection method: clinical testing. Allele origin: germline.
Comment: The p.L1622P variant (also known as c.4865T>C), located in coding exon 37 of the POLE gene, results from a T to C substitution at nucleotide position 4865. The leucine at codon 1622 is replaced by proline, an amino acid with similar properties. This amino acid position is conserved. In addition, this alteration is predicted to be deleterious by in silico analysis. Based on the available evidence, the clinical significance of this variant remains unclear.

Labcorp Genetics (formerly Invitae), Labcorp
Classification: Uncertain significance. Last evaluated: 2023-02-17. Review status: criteria provided, single submitter. Criteria: Invitae Variant Classification Sherloc (09022015). Collection method: clinical testing. Allele origin: germline.
Comment: In summary, the available evidence is currently insufficient to determine the role of this variant in disease. Therefore, it has been classified as a Variant of Uncertain Significance. Advanced modeling of protein sequence and biophysical properties (such as structural, functional, and spatial information, amino acid conservation, physicochemical variation, residue mobility, and thermodynamic stability) performed at Invitae indicates that this missense variant is expected to disrupt POLE protein function. This variant has not been reported in the literature in individuals affected with POLE-related conditions. This variant is not present in population databases (gnomAD no frequency). This sequence change replaces leucine, which is neutral and non-polar, with proline, which is neutral and non-polar, at codon 1622 of the POLE protein (p.Leu1622Pro).

NM_006231.4(POLE):c.4865T>C (p.Leu1622Pro)

Gene: POLE (DNA polymerase epsilon, catalytic subunit; minus strand). Cytogenetic location: 12q24.33.
Variant type: single nucleotide variant.
Coding change: c.4865T>C on transcript NM_006231.4 (MANE Select); coding-DNA position 4865, T replaced by C.
Protein change: p.Leu1622Pro; replaces leucine 1622 with proline.
Molecular consequence: missense variant.
Genome position (GRCh38, 1-based): chr12:132,642,593, A>G on the plus strand (T>C on the coding strand, the complement: POLE is on the minus strand). VCF-style: chr12-132642593-A-G. GRCh37 (hg19) VCF-style: chr12-133219179-A-G.
Other names: c.4865T>C (NM_006231.2); short protein forms L1622P.
Identifiers: ClinVar variation 3011242 (VCV003011242.4), dbSNP rs2541885787, ClinGen allele CA387378094.